The following is an entry in ClinVar:

ClinVar aggregate classification (germline): Uncertain significance. Review status: criteria provided, multiple submitters, no conflicts (2 of 4 stars). 3 submissions from 3 submitters: Uncertain significance (2). 1 of the submissions does not count toward it. Last evaluated 2024-03-06.

Conditions:
Hereditary cancer-predisposing syndrome. Also called: Tumor predisposition; Hereditary Cancer Syndrome; Neoplastic Syndromes, Hereditary; Hereditary neoplastic syndrome. Identifiers: Orphanet 140162, MedGen C0027672, MeSH D009386, MONDO:0015356.
Ataxia-telangiectasia syndrome (AT). Also called: Cerebello-oculocutaneous telangiectasia; Immunodeficiency with ataxia telangiectasia; Ataxia-telangiectasia, complementation group D; AT, COMPLEMENTATION GROUP C; Ataxia-telangiectasia, complementation group E; LOUIS-BAR SYNDROME. Identifiers: Orphanet 100, MedGen C0004135, MONDO:0008840, OMIM 208900.

Submissions (3):

Color Diagnostics, LLC DBA Color Health
Classification: Uncertain significance for Hereditary cancer-predisposing syndrome. Last evaluated: 2024-03-06. Review status: criteria provided, single submitter. Criteria: ACMG Guidelines, 2015. Collection method: clinical testing. Allele origin: germline.
Comment: This missense variant replaces asparagine with serine at codon 704 of the ATM protein. Computational prediction suggests that this variant may not impact protein structure and function (internally defined REVEL score threshold <= 0.5, PMID: 27666373). Splice site prediction tools suggest that this variant may not impact RNA splicing. To our knowledge, functional studies have not been performed for this variant. This variant has not been reported in individuals affected with hereditary cancer in the literature. This variant has not been identified in the general population by the Genome Aggregation Database (gnomAD). The available evidence is insufficient to determine the role of this variant in disease conclusively. Therefore, this variant is classified as a Variant of Uncertain Significance.

Labcorp Genetics (formerly Invitae), Labcorp
Classification: Uncertain significance for Ataxia-telangiectasia syndrome. Last evaluated: 2017-06-18. Review status: criteria provided, single submitter. Criteria: Invitae Variant Classification Sherloc (09022015). Collection method: clinical testing. Allele origin: germline.
Comment: In summary, this variant has uncertain impact on ATM function. The available evidence is currently insufficient to determine its role in disease. Therefore, it has been classified as a Variant of Uncertain Significance. Algorithms developed to predict the effect of missense changes on protein structure and function output the following: SIFT: "Tolerated"; PolyPhen-2: "Benign"; Align-GVGD: "Class C0". The serine amino acid residue is found in multiple mammalian species, suggesting that this missense change does not adversely affect protein function. These predictions have not been confirmed by published functional studies and their clinical significance is uncertain. This variant has not been reported in the literature in individuals with a ATM-related disease. This variant is not present in population databases (ExAC no frequency). This sequence change replaces asparagine with serine at codon 704 of the ATM protein (p.Asn704Ser). The asparagine residue is weakly conserved and there is a small physicochemical difference between asparagine and serine.

Natera, Inc.
Classification: Uncertain significance for Ataxia-telangiectasia. Last evaluated: 2021-04-15. Review status: no assertion criteria provided. Collection method: clinical testing. Allele origin: germline. Not counted in ClinVar's aggregate classification.

NM_000051.4(ATM):c.2111A>G (p.Asn704Ser)

Gene: ATM (ATM serine/threonine kinase; plus strand). Cytogenetic location: 11q22.3.
Variant type: single nucleotide variant.
Coding change: c.2111A>G on transcript NM_000051.4 (MANE Select); coding-DNA position 2111, A replaced by G.
Protein change: p.Asn704Ser; replaces asparagine 704 with serine.
Molecular consequence: missense variant.
Genome position (GRCh38, 1-based): chr11:108,254,026, A>G. VCF-style: chr11-108254026-A-G. GRCh37 (hg19) VCF-style: chr11-108124753-A-G.
Other names: c.2111A>G, p.Asn704Ser (NM_001351834.2); short protein forms N704S.
Identifiers: ClinVar variation 453403 (VCV000453403.17), dbSNP rs753903558, ClinGen allele CA382537734.